The following is an entry in ClinVar:

NM_024422.6(DSC2):c.47G>A (p.Arg16Gln)

Genes: DSC2 (desmocollin 2; minus strand), DSCAS (DSC1/DSC2 antisense RNA; plus strand). Cytogenetic location: 18q12.1.
Variant type: single nucleotide variant.
Coding change: c.47G>A on transcript NM_024422.6 (MANE Select); coding-DNA position 47, G replaced by A.
Protein change: p.Arg16Gln; replaces arginine 16 with glutamine.
Molecular consequence: missense variant.
Genome position (GRCh38, 1-based): chr18:31,101,925, C>T on the plus strand (G>A on the coding strand, the complement: DSC2 is on the minus strand). VCF-style: chr18-31101925-C-T. GRCh37 (hg19) VCF-style: chr18-28681888-C-T.
Other names: c.47G>A, p.Arg16Gln (NM_004949.5); short protein forms R16Q.
Identifiers: ClinVar variation 629733 (VCV000629733.7), dbSNP rs869025386, ClinGen allele CA402115243.

ClinVar aggregate classification (germline): Conflicting classifications of pathogenicity. Review status: criteria provided, conflicting classifications (1 of 4 stars). 3 submissions from 3 submitters: Uncertain significance (2); Likely benign (1). Last evaluated 2025-09-05.

Conditions:
Cardiomyopathy (CMYO). Also called: Cardiomyopathies. Identifiers: Orphanet 167848, MedGen C0878544, MONDO:0004994, HP:0001638. Inheritance: Various modes of inheritance.
Arrhythmogenic right ventricular dysplasia 11. Also called: Arrhythmogenic right ventricular dysplasia 11 with mild palmoplantar keratoderma and woolly hair; Arrhythmogenic Right Ventricular Dysplasia/Cardiomyopathy11; ARRHYTHMOGENIC RIGHT VENTRICULAR DYSPLASIA, FAMILIAL, 11. Identifiers: MedGen C1864850, MONDO:0012506, OMIM 610476.
Cardiovascular phenotype. Identifiers: MedGen CN230736.

Allele frequency attached by ClinVar (database versions not stated): gnomAD 0.00001; gnomAD exomes 0.00001; TOPMed 0.00001.
gnomAD v4.1: 9 of 1,530,718 alleles (0.00059%); highest among the groups gnomAD compares: African/African-American, 0.0014%; 1 homozygote.

Submissions (3):

Labcorp Genetics (formerly Invitae), Labcorp
Classification: Uncertain significance for Arrhythmogenic right ventricular dysplasia 11. Last evaluated: 2025-09-05. Review status: criteria provided, single submitter. Criteria: Invitae Variant Classification Sherloc (09022015). Collection method: clinical testing. Allele origin: germline.
Comment: This sequence change replaces arginine, which is basic and polar, with glutamine, which is neutral and polar, at codon 16 of the DSC2 protein (p.Arg16Gln). The frequency data for this variant in the population databases is considered unreliable, as metrics indicate poor data quality at this position in the gnomAD database. This variant has not been reported in the literature in individuals affected with DSC2-related conditions. ClinVar contains an entry for this variant (Variation ID: 629733). An algorithm developed to predict the effect of missense changes on protein structure and function (PolyPhen-2) suggests that this variant is likely to be tolerated. In summary, the available evidence is currently insufficient to determine the role of this variant in disease. Therefore, it has been classified as a Variant of Uncertain Significance.

Ambry Genetics
Classification: Likely benign for Cardiovascular phenotype. Last evaluated: 2024-01-25. Review status: criteria provided, single submitter. Criteria: Ambry Variant Classification Scheme 2023. Collection method: clinical testing. Allele origin: germline.

Color Diagnostics, LLC DBA Color Health
Classification: Uncertain significance for Cardiomyopathy. Last evaluated: 2018-10-29. Review status: criteria provided, single submitter. Criteria: ACMG Guidelines, 2015. Collection method: clinical testing. Allele origin: germline.
Comment: Variant of Uncertain Significance due to insufficient evidence: This missense variant is located in the signal peptide of the DSC2 protein. Computational prediction tools and conservation analyses suggest that this variant may not impact the protein function. Computational splicing tools suggest that this variant may not impact RNA splicing. To our knowledge, functional assays have not been performed for this variant nor has this variant been reported in individuals affected with cardiovascular disorders in the literature. This variant is rare in the general population and has been identified in 0/277264 chromosomes by the Genome Aggregation Database (gnomAD). Available evidence is insufficient to determine the pathogenicity of this variant conclusively.